The following is an entry in ClinVar:

ClinVar aggregate classification (germline): Uncertain significance (1 of 4 stars; one submission).

Allele frequency attached by ClinVar (database versions not stated): gnomAD exomes below 0.00001; ExAC 0.00001; gnomAD 0.00001.
gnomAD v4.1: 2 of 1,612,504 alleles (0.00012%); highest among the groups gnomAD compares: East Asian, 0.0045%; no homozygotes.

Submission:

Labcorp Genetics (formerly Invitae), Labcorp
Classification: Uncertain significance. Last evaluated: 2023-12-19. Review status: criteria provided, single submitter. Criteria: Invitae Variant Classification Sherloc (09022015). Collection method: clinical testing. Allele origin: germline.
Comment: This sequence change replaces isoleucine, which is neutral and non-polar, with threonine, which is neutral and polar, at codon 86 of the PITPNM3 protein (p.Ile86Thr). This variant is present in population databases (rs777675723, gnomAD 0.01%). This variant has not been reported in the literature in individuals affected with PITPNM3-related conditions. ClinVar contains an entry for this variant (Variation ID: 1419127). Algorithms developed to predict the effect of missense changes on protein structure and function output the following: SIFT: "Not Available"; PolyPhen-2: "Benign"; Align-GVGD: "Not Available". The threonine amino acid residue is found in multiple mammalian species, which suggests that this missense change does not adversely affect protein function. In summary, the available evidence is currently insufficient to determine the role of this variant in disease. Therefore, it has been classified as a Variant of Uncertain Significance.

NM_031220.4(PITPNM3):c.257T>C (p.Ile86Thr)

Gene: PITPNM3 (PITPNM family member 3; minus strand). Cytogenetic location: 17p13.1.
Variant type: single nucleotide variant.
Coding change: c.257T>C on transcript NM_031220.4 (MANE Select); coding-DNA position 257, T replaced by C.
Protein change: p.Ile86Thr; replaces isoleucine 86 with threonine.
Molecular consequence: missense variant.
Genome position (GRCh38, 1-based): chr17:6,503,544, A>G on the plus strand (T>C on the coding strand, the complement: PITPNM3 is on the minus strand). VCF-style: chr17-6503544-A-G. GRCh37 (hg19) VCF-style: chr17-6406864-A-G.
Other names: c.149T>C, p.Ile50Thr (NM_001165966.2); short protein forms I50T, I86T.
Identifiers: ClinVar variation 1419127 (VCV001419127.6), dbSNP rs777675723, ClinGen allele CA8329893.
Genomic context (GRCh38, chr17:6,503,544, plus strand): 5'-TCCAAGGGGAAGAAATGACCCCACAGGGTCAGGCTTGACTCACGCTGCTTCTCCTGGAGG[A>G]TGCTGGATGTGCACGGCGCGGTCCCTTCTCCTGCAGAAAAAGAAAAGAAACATGAGCAGA-3'
Protein context (NP_112497.2, residues 76-96): GEGTAPCTSS[Ile86Thr]LQEKQRELYR